The following is an entry in ClinVar:

NM_005392.4(PHF2):c.2174C>T (p.Ser725Leu)

Gene: PHF2 (PHD finger protein 2; plus strand). Cytogenetic location: 9q22.31.
Variant type: single nucleotide variant.
Coding change: c.2174C>T on transcript NM_005392.4 (MANE Select); coding-DNA position 2174, C replaced by T.
Protein change: p.Ser725Leu; replaces serine 725 with leucine.
Molecular consequence: missense variant.
Genome position (GRCh38, 1-based): chr9:93,666,047, C>T. VCF-style: chr9-93666047-C-T. GRCh37 (hg19) VCF-style: chr9-96428329-C-T.
Other names: short protein forms S725L.
Identifiers: ClinVar variation 3049578 (VCV003049578.2), dbSNP rs116444936, ClinGen allele CA5132898.

ClinVar aggregate classification (germline): Likely benign (0 of 4 stars; one submission).

Conditions:
PHF2-related disorder. Also called: PHF2-related condition.

Allele frequency attached by ClinVar (database versions not stated): gnomAD exomes 0.00013; ExAC 0.00049; ESP Exome Variant Server 0.00115; TOPMed 0.00148; gnomAD 0.00150; 1000 Genomes Project 0.00280; 1000 Genomes Project 30x 0.00297.
gnomAD v4.1: 422 of 1,613,112 alleles (0.026%); highest among the groups gnomAD compares: African/African-American, 0.48%; 1 homozygote.

Submission:

PreventionGenetics, part of Exact Sciences
Classification: Likely benign for PHF2-related condition. Last evaluated: 2022-01-24. Review status: no assertion criteria provided. Collection method: clinical testing. Allele origin: germline.
Comment: This variant is classified as likely benign based on ACMG/AMP sequence variant interpretation guidelines (Richards et al. 2015 PMID: 25741868, with internal and published modifications).